The following is an entry in ClinVar:

NM_001105206.3(LAMA4):c.392C>T (p.Pro131Leu)

Gene: LAMA4 (laminin subunit alpha 4; minus strand). Cytogenetic location: 6q21.
Variant type: single nucleotide variant.
Coding change: c.392C>T on transcript NM_001105206.3 (MANE Select); coding-DNA position 392, C replaced by T.
Protein change: p.Pro131Leu; replaces proline 131 with leucine.
Molecular consequence: missense variant.
Genome position (GRCh38, 1-based): chr6:112,207,051, G>A on the plus strand (C>T on the coding strand, the complement: LAMA4 is on the minus strand). VCF-style: chr6-112207051-G-A. GRCh37 (hg19) VCF-style: chr6-112528252-G-A.
Other names: c.392C>T, p.Pro131Leu (NM_001105207.3, NM_002290.5); short protein forms P131L.
Identifiers: ClinVar variation 227480 (VCV000227480.12), dbSNP rs374273620, ClinGen allele CA3966179.

ClinVar aggregate classification (germline): Conflicting classifications of pathogenicity. Review status: criteria provided, conflicting classifications (1 of 4 stars). 4 submissions from 4 submitters: Uncertain significance (2); Likely benign (2). Last evaluated 2025-07-06.

Conditions:
Cardiovascular phenotype. Identifiers: MedGen CN230736.
Dilated cardiomyopathy 1JJ (CMD1JJ). Identifiers: Orphanet 154, MedGen C3808935, MONDO:0014095, OMIM 615235.

Allele frequency attached by ClinVar (database versions not stated): gnomAD 0.00002; ESP Exome Variant Server 0.00008; gnomAD exomes 0.00008.
gnomAD v4.1: 29 of 1,613,810 alleles (0.0018%); highest among the groups gnomAD compares: Admixed American, 0.033%; no homozygotes.

Submissions (4):

Labcorp Genetics (formerly Invitae), Labcorp
Classification: Uncertain significance for Dilated cardiomyopathy 1JJ. Last evaluated: 2025-07-06. Review status: criteria provided, single submitter. Criteria: Invitae Variant Classification Sherloc (09022015). Collection method: clinical testing. Allele origin: germline.
Comment: This sequence change replaces proline, which is neutral and non-polar, with leucine, which is neutral and non-polar, at codon 131 of the LAMA4 protein (p.Pro131Leu). This variant is present in population databases (rs374273620, gnomAD 0.05%), and has an allele count higher than expected for a pathogenic variant. This variant has not been reported in the literature in individuals affected with LAMA4-related conditions. ClinVar contains an entry for this variant (Variation ID: 227480). Invitae Evidence Modeling of protein sequence and biophysical properties (such as structural, functional, and spatial information, amino acid conservation, physicochemical variation, residue mobility, and thermodynamic stability) indicates that this missense variant is not expected to disrupt LAMA4 protein function with a negative predictive value of 80%. In summary, the available evidence is currently insufficient to determine the role of this variant in disease. Therefore, it has been classified as a Variant of Uncertain Significance.

Ambry Genetics
Classification: Likely benign for Cardiovascular phenotype. Last evaluated: 2025-03-26. Review status: criteria provided, single submitter. Criteria: Ambry Variant Classification Scheme 2023. Collection method: clinical testing. Allele origin: germline.

GeneDx
Classification: Uncertain significance. Last evaluated: 2024-12-26. Review status: criteria provided, single submitter. Criteria: GeneDx Variant Classification Process June 2021. Collection method: clinical testing. Allele origin: germline. Affected: yes.
Comment: In silico analysis supports that this missense variant has a deleterious effect on protein structure/function; Has not been previously published as pathogenic or benign to our knowledge

Laboratory for Molecular Medicine, Mass General Brigham Personalized Medicine
Classification: Likely benign. Last evaluated: 2015-01-30. Review status: criteria provided, single submitter. Criteria: LMM Criteria. Collection method: clinical testing. Allele origin: germline. Observed: 1 variant allele.
Comment: p.Pro131Leu in exon 4 of LAMA4: This variant is not expected to have clinical si gnificance due to a lack of conservation across species, including mammals. Of n ote, several mammals (rhesus, macaque, baboon and pacific walrus) have a leucine (Leu) at this position despite high nearby amino acid conservation. In addition , computational prediction tools do not suggest a high likelihood of impact to t he protein. This variant has also been identified in 5/11554 Latino chromosomes by the Exome Aggregation Consortium (ExAC; dbSNP rs374273620).